The following is an entry in ClinVar:

NM_139076.3(ABRAXAS1):c.518T>C (p.Met173Thr)

Gene: ABRAXAS1 (abraxas 1, BRCA1 A complex subunit; minus strand). Cytogenetic location: 4q21.23.
Variant type: single nucleotide variant.
Coding change: c.518T>C on transcript NM_139076.3 (MANE Select); coding-DNA position 518, T replaced by C.
Protein change: p.Met173Thr; replaces methionine 173 with threonine.
Molecular consequence: missense variant.
Genome position (GRCh38, 1-based): chr4:83,469,110, A>G on the plus strand (T>C on the coding strand, the complement: ABRAXAS1 is on the minus strand). VCF-style: chr4-83469110-A-G. GRCh37 (hg19) VCF-style: chr4-84390263-A-G.
Other names: p.M173T:ATG>ACG; c.191T>C, p.Met64Thr (NM_001345962.2); short protein forms M173T, M64T.
Identifiers: ClinVar variation 128223 (VCV000128223.5), dbSNP rs587780266, ClinGen allele CA288649.

ClinVar aggregate classification (germline): Uncertain significance. Review status: criteria provided, multiple submitters, no conflicts (2 of 4 stars). 2 submissions from 2 submitters: Uncertain significance (2). Last evaluated 2025-01-13.

Allele frequency attached by ClinVar (database versions not stated): gnomAD exomes below 0.00001.

Submissions (2):

Ambry Genetics
Classification: Uncertain significance. Last evaluated: 2025-01-13. Review status: criteria provided, single submitter. Criteria: Ambry Variant Classification Scheme 2023. Collection method: clinical testing. Allele origin: germline.
Comment: The p.M173T variant (also known as c.518T>C), located in coding exon 6 of the FAM175A gene, results from a T to C substitution at nucleotide position 518. The methionine at codon 173 is replaced by threonine, an amino acid with similar properties. This amino acid position is conserved. In addition, the in silico prediction for this alteration is inconclusive. Since supporting evidence is limited at this time, the clinical significance of this alteration remains unclear.

GeneDx
Classification: Uncertain significance. Last evaluated: 2014-01-09. Review status: criteria provided, single submitter. Criteria: GeneDx Variant Classification (06012015). Collection method: clinical testing. Allele origin: germline. Affected: yes.
Comment: This variant is denoted FAM175A c.518T>C at the cDNA level, p.Met173Thr (M173T) at the protein level, and results in the change of a Methionine to a Threonine (ATG>ACG). This variant has not, to our knowledge, been published in the literature as pathogenic or benign. FAM175A Met173Thr was not observed in approximately 6,500 individuals of European and African American ancestry in the NHLBI Exome Sequencing Project, indicating it is not a common benign variant in these populations. This variant is a non-conservative substitution in which a neutral non-polar amino acid is replaced with a neutral polar one, altering a position that is well conserved throughout evolution and is not located in a known functional domain. In silico analyses are inconsistent with regard to the effect this variant may have on protein structure and function. Based on the currently available information, we consider FAM175A Met173Thr to be a variant of uncertain significance.